The following is an entry in ClinVar:

NM_000036.3(AMPD1):c.-42C>T

Gene: AMPD1 (adenosine monophosphate deaminase 1; minus strand). Cytogenetic location: 1p13.2.
Variant type: single nucleotide variant.
Coding change: c.-42C>T on transcript NM_000036.3 (MANE Select); 42 bases upstream of the start codon, C replaced by T.
Molecular consequence: 5 prime UTR variant.
Genome position (GRCh38, 1-based): chr1:114,695,513, G>A on the plus strand (C>T on the coding strand, the complement: AMPD1 is on the minus strand). VCF-style: chr1-114695513-G-A. GRCh37 (hg19) VCF-style: chr1-115238134-G-A.
Other names: c.-42C>T (NM_001172626.2); c.58C>T (NM_000036.2).
Identifiers: ClinVar variation 2712275 (VCV002712275.4), dbSNP rs575333296, ClinGen allele CA1020651.

ClinVar aggregate classification (germline): Uncertain significance. Review status: criteria provided, multiple submitters, no conflicts (2 of 4 stars). 2 submissions from 2 submitters: Uncertain significance (2). Last evaluated 2025-01-27.

Conditions:
Inborn genetic diseases. Identifiers: MedGen C0950123, MeSH D030342.
Muscle AMP deaminase deficiency (MMDD). Also called: Myoadenylate deaminase deficiency, myopathy due to; Adenosine monophosphate deaminase 1 deficiency; AMP deaminase 1 deficiency; Adenosine Monophosphate Deaminase 1; AMPD1 DEFICIENCY; ADENOSINE MONOPHOSPHATE DEAMINASE-1 DEFICIENCY, MYOPATHY DUE TO. Identifiers: Orphanet 45, MedGen C3714933, MONDO:0014220, OMIM 615511.

Allele frequency attached by ClinVar (database versions not stated): TOPMed 0.00001; ExAC 0.00002; gnomAD 0.00003; gnomAD exomes 0.00008; 1000 Genomes Project 30x 0.00016; 1000 Genomes Project 0.00020.
gnomAD v4.1: 120 of 1,614,080 alleles (0.0074%); highest among the groups gnomAD compares: East Asian, 0.26%; no homozygotes.

Submissions (2):

Labcorp Genetics (formerly Invitae), Labcorp
Classification: Uncertain significance for Muscle AMP deaminase deficiency. Last evaluated: 2025-01-27. Review status: criteria provided, single submitter. Criteria: Invitae Variant Classification Sherloc (09022015). Collection method: clinical testing. Allele origin: germline.
Comment: This sequence change replaces leucine, which is neutral and non-polar, with phenylalanine, which is neutral and non-polar, at codon 20 of the AMPD1 protein (p.Leu20Phe). This variant is present in population databases (rs575333296, gnomAD 0.03%). This variant has not been reported in the literature in individuals affected with AMPD1-related conditions. ClinVar contains an entry for this variant (Variation ID: 2712275). An algorithm developed to predict the effect of missense changes on protein structure and function outputs the following: PolyPhen-2: "Benign". The phenylalanine amino acid residue is found in multiple mammalian species, which suggests that this missense change does not adversely affect protein function. In summary, the available evidence is currently insufficient to determine the role of this variant in disease. Therefore, it has been classified as a Variant of Uncertain Significance.

Ambry Genetics
Classification: Uncertain significance for Inborn genetic diseases. Last evaluated: 2024-01-12. Review status: criteria provided, single submitter. Criteria: Ambry Variant Classification Scheme 2023. Collection method: clinical testing. Allele origin: germline.